The following is an entry in ClinVar:

ClinVar aggregate classification (germline): Likely benign. Review status: criteria provided, multiple submitters, no conflicts (2 of 4 stars). 3 submissions from 3 submitters: Likely benign (3). Last evaluated 2026-09-21.

Conditions:
Cardiovascular phenotype. Identifiers: MedGen CN230736.
Familial hypercholesterolemia. Also called: Familial hypercholesterolemias; Familial hypercholesterolaemia. Identifiers: MedGen C0020445, MONDO:0005439.

Allele frequency attached by ClinVar (database versions not stated): gnomAD exomes below 0.00001; ExAC 0.00002.
gnomAD v4.1: 7 of 1,614,238 alleles (0.00043%); highest among the groups gnomAD compares: South Asian, 0.0077%; no homozygotes.

Submissions (3):

Molecular Diagnostic Laboratory for Inherited Cardiovascular Disease, Montreal Heart Institute
Classification: Likely benign. Last evaluated: 2026-09-21. Review status: criteria provided, single submitter. Criteria: ACMG Guidelines, 2015. Collection method: clinical testing. Allele origin: germline. Affected: no.
Comment: BP7

Color Diagnostics, LLC DBA Color Health
Classification: Likely benign for Familial hypercholesterolemia. Last evaluated: 2022-11-06. Review status: criteria provided, single submitter. Criteria: ACMG Guidelines, 2015. Collection method: clinical testing. Allele origin: germline.

Ambry Genetics
Classification: Likely benign for Cardiovascular phenotype. Last evaluated: 2022-03-06. Review status: criteria provided, single submitter. Criteria: Ambry Variant Classification Scheme 2023. Collection method: clinical testing. Allele origin: germline.

NM_174936.4(PCSK9):c.327C>T (p.Thr109=)

Gene: PCSK9 (proprotein convertase subtilisin/kexin type 9; plus strand). Cytogenetic location: 1p32.3.
Variant type: single nucleotide variant.
Coding change: c.327C>T on transcript NM_174936.4 (MANE Select); coding-DNA position 327, C replaced by T.
Protein change: p.Thr109=; no amino-acid change (threonine 109 retained).
Molecular consequence: synonymous variant. On other transcripts: 5 prime UTR variant (1), non-coding transcript variant (6), intron variant (1).
Genome position (GRCh38, 1-based): chr1:55,043,962, C>T. VCF-style: chr1-55043962-C-T. GRCh37 (hg19) VCF-style: chr1-55509635-C-T.
Other names: c.450C>T, p.Thr150= (NM_001407240.1); c.327C>T, p.Thr109= (NM_001407241.1, NM_001407242.1, NM_001407243.1 and 2 more transcripts); c.-49C>T (NM_001407246.1); c.208-2561C>T (NM_001407245.1).
Identifiers: ClinVar variation 1729714 (VCV001729714.4), dbSNP rs759986372, ClinGen allele CA041482.